The following is an entry in ClinVar:

ClinVar aggregate classification (germline): Uncertain significance (1 of 4 stars; one submission).

Conditions:
Progressive sclerosing poliodystrophy (MTDPS4A). Also called: ALPERS PROGRESSIVE INFANTILE POLIODYSTROPHY; NEURONAL DEGENERATION OF CHILDHOOD WITH LIVER DISEASE, PROGRESSIVE; Alpers Syndrome; ALPERS DIFFUSE DEGENERATION OF CEREBRAL GRAY MATTER WITH HEPATIC CIRRHOSIS; Alpers-Huttenlocher Syndrome; Mitochondrial DNA depletion syndrome 4A (Alpers type). Identifiers: Orphanet 726, MedGen C0205710, MONDO:0008758, OMIM 203700.

Submission:

Labcorp Genetics (formerly Invitae), Labcorp
Classification: Uncertain significance for Progressive sclerosing poliodystrophy. Last evaluated: 2024-01-18. Review status: criteria provided, single submitter. Criteria: Invitae Variant Classification Sherloc (09022015). Collection method: clinical testing. Allele origin: germline.
Comment: This sequence change replaces alanine, which is neutral and non-polar, with lysine, which is basic and polar, at codon 1033 of the POLG protein (p.Ala1033Lys). The frequency data for this variant in the population databases is considered unreliable, as metrics indicate poor data quality at this position in the gnomAD database. This variant has not been reported in the literature in individuals affected with POLG-related conditions. An algorithm developed to predict the effect of missense changes on protein structure and function (PolyPhen-2) suggests that this variant is likely to be tolerated. In summary, the available evidence is currently insufficient to determine the role of this variant in disease. Therefore, it has been classified as a Variant of Uncertain Significance.

NM_002693.3(POLG):c.3097_3098delinsAA (p.Ala1033Lys)

Gene: POLG (DNA polymerase gamma, catalytic subunit; minus strand). Cytogenetic location: 15q26.1.
Variant type: Indel.
Coding change: c.3097_3098delinsAA on transcript NM_002693.3 (MANE Select); coding-DNA positions 3097 to 3098, GC replaced by AA.
Protein change: p.Ala1033Lys; replaces alanine 1033 with lysine.
Molecular consequence: missense variant.
Genome position (GRCh38, 1-based): chr15:89,319,234-89,319,235, GC replaced by TT on the plus strand (GC replaced by AA on the coding strand, the reverse complement: POLG is on the minus strand). VCF-style: chr15-89319234-GC-TT. GRCh37 (hg19) VCF-style: chr15-89862465-GC-TT.
Other names: c.3097_3098delinsAA, p.Ala1033Lys (NM_001126131.2); short protein forms A1033K.
Identifiers: ClinVar variation 2742568 (VCV002742568.3), dbSNP rs2509209899, ClinGen allele CA2697549288.
Genomic context (GRCh38, chr15:89,319,234, plus strand): 5'-TCTGGGGCAAGCCCAGACCCCTCCCTCCATCCTTAACACAAAGAAGGTTCTTACTTCCTT[GC>TT]AGTTTCTCTCTGGACCTTGCGCAGATCCTGCAGGGAAATCCAGCCACCCTCAGTCCTGTC-3'
Protein context (NP_002684.1, residues 1023-1043): QDLRKVQRET[Ala1033Lys]RKSQWKKWEV